The following is an entry in ClinVar:

NM_001378454.1(ALMS1):c.5029C>G (p.Gln1677Glu)

Gene: ALMS1 (ALMS1 centrosome and basal body associated protein; plus strand). Cytogenetic location: 2p13.1.
Variant type: single nucleotide variant.
Coding change: c.5029C>G on transcript NM_001378454.1 (MANE Select); coding-DNA position 5029, C replaced by G.
Protein change: p.Gln1677Glu; replaces glutamine 1677 with glutamic acid.
Molecular consequence: missense variant.
Genome position (GRCh38, 1-based): chr2:73,451,556, C>G. VCF-style: chr2-73451556-C-G. GRCh37 (hg19) VCF-style: chr2-73678683-C-G.
Other names: c.5032C>G, p.Gln1678Glu (NM_015120.4); short protein forms Q1678E, Q1677E.
Identifiers: ClinVar variation 4983844 (VCV004983844.1).

ClinVar aggregate classification (germline): Uncertain significance (1 of 4 stars; one submission).

Conditions:
ALMS1-related disorder. Also called: ALMS1-related condition.

Submission:

PreventionGenetics, part of Exact Sciences
Classification: Uncertain significance for ALMS1-related condition. Last evaluated: 2026-05-14. Review status: criteria provided, single submitter. Criteria: ACMG Guidelines, 2015. Collection method: clinical testing. Allele origin: germline.
Comment: The ALMS1 c.5032C>G variant is predicted to result in the amino acid substitution p.Leu1678Val. This variant is referred to as c.5035C>G, p.Leu1679Val in the alternate transcript NM_001378454.1. To our knowledge, this variant has not been reported in the literature. This variant is reported in 0.0044% of alleles in individuals of European (non-Finnish) descent in gnomAD. At this time, the clinical significance of this variant is uncertain due to the absence of conclusive functional and genetic evidence.